The following is an entry in ClinVar:

ClinVar aggregate classification (germline): Uncertain significance (1 of 4 stars; one submission).

Conditions:
Combined immunodeficiency due to DOCK8 deficiency (HIES2). Also called: Hyper-IgE recurrent infection syndrome, autosomal recessive; HYPER-IgE RECURRENT INFECTION SYNDROME 2, AUTOSOMAL RECESSIVE; HIES autosomal recessive; HYPER-IgE SYNDROME 2, AUTOSOMAL RECESSIVE, WITH RECURRENT INFECTIONS; DOCK8 Deficiency. Identifiers: Orphanet 217390, MedGen C4722305, MONDO:0009478, OMIM 243700.

Allele frequency attached by ClinVar (database versions not stated): 1000 Genomes Project 30x 0.00016; 1000 Genomes Project 0.00020.

Submission:

Labcorp Genetics (formerly Invitae), Labcorp
Classification: Uncertain significance for Combined immunodeficiency due to DOCK8 deficiency. Last evaluated: 2022-06-05. Review status: criteria provided, single submitter. Criteria: Invitae Variant Classification Sherloc (09022015). Collection method: clinical testing. Allele origin: germline.
Comment: This sequence change replaces arginine, which is basic and polar, with cysteine, which is neutral and slightly polar, at codon 127 of the DOCK8 protein (p.Arg127Cys). This variant is present in population databases (rs185505140, gnomAD 0.05%). This variant has not been reported in the literature in individuals affected with DOCK8-related conditions. Algorithms developed to predict the effect of missense changes on protein structure and function are either unavailable or do not agree on the potential impact of this missense change (SIFT: "Deleterious"; PolyPhen-2: "Possibly Damaging"; Align-GVGD: "Class C0"). In summary, the available evidence is currently insufficient to determine the role of this variant in disease. Therefore, it has been classified as a Variant of Uncertain Significance.

NM_203447.4(DOCK8):c.379C>T (p.Arg127Cys)

Gene: DOCK8 (dedicator of cytokinesis 8; plus strand). Cytogenetic location: 9p24.3.
Variant type: single nucleotide variant.
Coding change: c.379C>T on transcript NM_203447.4 (MANE Select); coding-DNA position 379, C replaced by T.
Protein change: p.Arg127Cys; replaces arginine 127 with cysteine.
Molecular consequence: missense variant.
Genome position (GRCh38, 1-based): chr9:289,556, C>T. VCF-style: chr9-289556-C-T. GRCh37 (hg19) VCF-style: chr9-289556-C-T.
Other names: c.175C>T, p.Arg59Cys (NM_001190458.2, NM_001193536.2); short protein forms R127C, R59C.
Identifiers: ClinVar variation 2183978 (VCV002183978.1), dbSNP rs185505140, ClinGen allele CA4957200.